The following is an entry in ClinVar:

ClinVar aggregate classification (germline): Benign/Likely benign. Review status: criteria provided, multiple submitters, no conflicts (2 of 4 stars). 14 submissions from 14 submitters: Benign (8); Likely benign (3). 3 of the submissions do not count toward it. Last evaluated 2026-10-01.

Conditions:
Hereditary spastic paraplegia. Also called: Familial spastic paraparesis. Identifiers: Orphanet 685, MedGen C0037773, MONDO:0019064. Disease mechanism: loss of function.
Hereditary spastic paraplegia 4. Also called: Spastic Paraplegia 4; Spastic paraplegia 4, autosomal dominant; Familial spastic paraplegia autosomal dominant 2. Identifiers: Orphanet 100985, MedGen C1866855, MONDO:0008438, OMIM 182601.

Allele frequency attached by ClinVar (database versions not stated): 1000 Genomes Project 0.00339; 1000 Genomes Project 30x 0.00344; ExAC 0.00894; TOPMed 0.00911; gnomAD 0.00914 and 0.00943; gnomAD exomes 0.00943; ESP Exome Variant Server 0.01069.
gnomAD v4.1: 20,070 of 1,607,230 alleles (1.2%); highest among the groups gnomAD compares: Non-Finnish European, 1.5%; 146 homozygotes.

Submissions (14):

CeGaT Center for Human Genetics Tuebingen
Classification: Benign. Last evaluated: 2026-10-01. Review status: criteria provided, single submitter. Criteria: CeGaT Center For Human Genetics Tuebingen Variant Classification Criteria Version 2. Collection method: clinical testing. Allele origin: germline. Affected: yes. Observed: 50 variant alleles.
Comment: SPAST: BP4, BP7, BS1, BS2

Labcorp Genetics (formerly Invitae), Labcorp
Classification: Benign for Hereditary spastic paraplegia 4. Last evaluated: 2026-02-03. Review status: criteria provided, single submitter. Criteria: Invitae Variant Classification Sherloc (09022015). Collection method: clinical testing. Allele origin: germline.

Blueprint Genetics
Classification: Likely benign. Last evaluated: 2024-11-23. Review status: criteria provided, single submitter. Criteria: ACMG Guidelines, 2015. Collection method: clinical testing. Allele origin: germline.

Athena Diagnostics
Classification: Benign. Last evaluated: 2024-06-25. Review status: criteria provided, single submitter. Criteria: Athena Diagnostics Criteria. Collection method: clinical testing. Allele origin: unknown.

Genome Diagnostics Laboratory, The Hospital for Sick Children
Classification: Benign for Hereditary spastic paraplegia. Last evaluated: 2020-12-08. Review status: criteria provided, single submitter. Criteria: ACMG Guidelines, 2015. Collection method: clinical testing. Allele origin: germline. Affected: yes.

Illumina Laboratory Services, Illumina
Classification: Benign for Hereditary spastic paraplegia 4. Last evaluated: 2018-03-06. Review status: criteria provided, single submitter. Criteria: ICSL Variant Classification Criteria 13 December 2019. Collection method: clinical testing. Allele origin: germline.
Comment: This variant was observed in the ICSL laboratory as part of a predisposition screen in an ostensibly healthy population. It had not been previously curated by ICSL or reported in the Human Gene Mutation Database (HGMD: prior to June 1st, 2018), and was therefore a candidate for classification through an automated scoring system. Utilizing variant allele frequency, disease prevalence and penetrance estimates, and inheritance mode, an automated score was calculated to assess if this variant is too frequent to cause the disease. Based on the score and internal cut-off values, a variant classified as benign is not then subjected to further curation. The score for this variant resulted in a classification of benign for this disease.

Center for Pediatric Genomic Medicine, Children's Mercy Hospital and Clinics
Classification: Likely benign. Last evaluated: 2017-01-26. Review status: criteria provided, single submitter. Criteria: ACMG Guidelines, 2015. Collection method: clinical testing. Allele origin: germline.
ClinVar note: Converted during submission from Likely Benign to Likely benign.

GeneDx
Classification: Benign. Last evaluated: 2016-07-28. Review status: criteria provided, single submitter. Criteria: GeneDx Variant Classification (06012015). Collection method: clinical testing. Allele origin: germline. Affected: yes.
Comment: This variant is considered likely benign or benign based on one or more of the following criteria: it is a conservative change, it occurs at a poorly conserved position in the protein, it is predicted to be benign by multiple in silico algorithms, and/or has population frequency not consistent with disease.

Mayo Clinic Laboratories, Mayo Clinic
Classification: Benign. Last evaluated: 2016-06-15. Review status: criteria provided, single submitter. Criteria: ACMG Guidelines, 2015. Collection method: clinical testing. Allele origin: germline. Observed: 57 variant alleles.

Laboratory for Molecular Medicine, Mass General Brigham Personalized Medicine
Classification: Benign. Last evaluated: 2016-03-29. Review status: criteria provided, single submitter. Criteria: LMM Criteria. Collection method: clinical testing. Allele origin: germline.
Comment: Variant identified in a genome or exome case(s) and assessed due to predicted null impact of the variant or pathogenic assertions in the literature or databases. Disclaimer: This variant has not undergone full assessment. The following are preliminary notes: Not present in FAST (due to DM? classification). ExAC: 1.4% (898/66366) European. Silent and not in splice consensus.

Breakthrough Genomics
Classification: Likely benign. Review status: criteria provided, single submitter. Criteria: ACMG Guidelines, 2015. Collection method: not provided. Allele origin: germline. Inheritance: Autosomal dominant inheritance. Affected: yes.

Clinical Genetics, Academic Medical Center
Classification: Benign. Review status: no assertion criteria provided. Collection method: clinical testing. Allele origin: germline. Affected: yes. Study: VKGL Data-share Consensus. Not counted in ClinVar's aggregate classification.

Genome Diagnostics Laboratory, University Medical Center Utrecht
Classification: Benign. Review status: no assertion criteria provided. Collection method: clinical testing. Allele origin: germline. Affected: yes. Study: VKGL Data-share Consensus. Not counted in ClinVar's aggregate classification.

Joint Genome Diagnostic Labs from Nijmegen and Maastricht, Radboudumc and MUMC+
Classification: Likely benign. Review status: no assertion criteria provided. Collection method: clinical testing. Allele origin: germline. Affected: yes. Study: VKGL Data-share Consensus. Not counted in ClinVar's aggregate classification.

Literature cited by the submitters: PubMed 16055926 (cited by Athena Diagnostics); PubMed 30008175 (cited by Athena Diagnostics); PubMed 11309678 (cited by Athena Diagnostics); PubMed 11843700 (cited by Athena Diagnostics); PubMed 12552568 (cited by Athena Diagnostics); PubMed 12124993 (cited by Athena Diagnostics); PubMed 27334366 (cited by Athena Diagnostics); PubMed 22552817 (cited by Athena Diagnostics).

NM_014946.4(SPAST):c.879G>A (p.Pro293=)

Gene: SPAST (spastin; plus strand). Cytogenetic location: 2p22.3.
Variant type: single nucleotide variant.
Coding change: c.879G>A on transcript NM_014946.4 (MANE Select); coding-DNA position 879, G replaced by A.
Protein change: p.Pro293=; no amino-acid change (proline 293 retained).
Molecular consequence: synonymous variant.
Genome position (GRCh38, 1-based): chr2:32,115,710, G>A. VCF-style: chr2-32115710-G-A. GRCh37 (hg19) VCF-style: chr2-32340779-G-A.
Other names: p.Pro293=; c.876G>A, p.Pro292= (NM_001363823.2); c.780G>A, p.Pro260= (NM_001363875.2); c.783G>A, p.Pro261= (NM_001377959.1, NM_199436.2).
Identifiers: ClinVar variation 219840 (VCV000219840.63), dbSNP rs145264166, ClinGen allele CA350293.